The following is an entry in ClinVar:

NM_000235.4(LIPA):c.653G>A (p.Arg218Gln)

Gene: LIPA (lipase A, lysosomal acid type; minus strand). Cytogenetic location: 10q23.31.
Variant type: single nucleotide variant.
Coding change: c.653G>A on transcript NM_000235.4 (MANE Select); coding-DNA position 653, G replaced by A.
Protein change: p.Arg218Gln; replaces arginine 218 with glutamine.
Molecular consequence: missense variant.
Genome position (GRCh38, 1-based): chr10:89,225,114, C>T on the plus strand (G>A on the coding strand, the complement: LIPA is on the minus strand). VCF-style: chr10-89225114-C-T. GRCh37 (hg19) VCF-style: chr10-90984871-C-T.
Other names: c.653G>A, p.Arg218Gln (NM_001127605.3); c.305G>A, p.Arg102Gln (NM_001288979.2); short protein forms R102Q, R218Q.
Identifiers: ClinVar variation 2056139 (VCV002056139.1), dbSNP rs749509091, ClinGen allele CA5593663.

ClinVar aggregate classification (germline): Uncertain significance (1 of 4 stars; one submission).

Conditions:
Wolman disease (WOLD). Also called: Acid cholesteryl ester hydrolase deficiency, Wolman type; Acid lipase disease; LYSOSOMAL ACID LIPASE DEFICIENCY, ACUTE INFANTILE; LYSOSOMAL ACID LIPASE DEFICIENCY, COMPLETE; LIPA DEFICIENCY, COMPLETE; LAL DEFICIENCY, COMPLETE. Identifiers: Orphanet 75233, MedGen C0043208, MONDO:0019148, OMIM 620151.

Allele frequency attached by ClinVar (database versions not stated): gnomAD exomes 0.00002; TOPMed 0.00003; ExAC 0.00004; gnomAD 0.00002.
gnomAD v4.1: 31 of 1,613,976 alleles (0.0019%); highest among the groups gnomAD compares: South Asian, 0.014%; 1 homozygote.

Submission:

Labcorp Genetics (formerly Invitae), Labcorp
Classification: Uncertain significance for Wolman disease. Last evaluated: 2022-08-22. Review status: criteria provided, single submitter. Criteria: Invitae Variant Classification Sherloc (09022015). Collection method: clinical testing. Allele origin: germline.
Comment: This sequence change replaces arginine, which is basic and polar, with glutamine, which is neutral and polar, at codon 218 of the LIPA protein (p.Arg218Gln). This variant is present in population databases (rs749509091, gnomAD 0.02%). This missense change has been observed in individual(s) with clinical features of LIPA-related conditions (PMID: 28502505). Algorithms developed to predict the effect of missense changes on protein structure and function output the following: SIFT: "Tolerated"; PolyPhen-2: "Benign"; Align-GVGD: "Class C0". The glutamine amino acid residue is found in multiple mammalian species, which suggests that this missense change does not adversely affect protein function. In summary, the available evidence is currently insufficient to determine the role of this variant in disease. Therefore, it has been classified as a Variant of Uncertain Significance.

Literature cited by the submitters: PubMed 28502505.